The following is an entry in ClinVar:

ClinVar aggregate classification (germline): Uncertain significance (1 of 4 stars; one submission).

Allele frequency attached by ClinVar (database versions not stated): gnomAD exomes below 0.00001.

Submission:

Labcorp Genetics (formerly Invitae), Labcorp
Classification: Uncertain significance. Last evaluated: 2023-06-17. Review status: criteria provided, single submitter. Criteria: Invitae Variant Classification Sherloc (09022015). Collection method: clinical testing. Allele origin: germline.
Comment: In summary, the available evidence is currently insufficient to determine the role of this variant in disease. Therefore, it has been classified as a Variant of Uncertain Significance. An algorithm developed to predict the effect of missense changes on protein structure and function (PolyPhen-2) suggests that this variant is likely to be disruptive. This variant has not been reported in the literature in individuals affected with CXCR2-related conditions. This variant is not present in population databases (gnomAD no frequency). This sequence change replaces tryptophan, which is neutral and slightly polar, with arginine, which is basic and polar, at codon 207 of the CXCR2 protein (p.Trp207Arg).

NM_001557.4(CXCR2):c.619T>A (p.Trp207Arg)

Gene: CXCR2 (C-X-C motif chemokine receptor 2; plus strand). Cytogenetic location: 2q35.
Variant type: single nucleotide variant.
Coding change: c.619T>A on transcript NM_001557.4 (MANE Select); coding-DNA position 619, T replaced by A.
Protein change: p.Trp207Arg; replaces tryptophan 207 with arginine.
Molecular consequence: missense variant.
Genome position (GRCh38, 1-based): chr2:218,135,420, T>A. VCF-style: chr2-218135420-T-A. GRCh37 (hg19) VCF-style: chr2-219000143-T-A.
Other names: c.619T>A, p.Trp207Arg (NM_001168298.2); short protein forms W207R.
Identifiers: ClinVar variation 2779339 (VCV002779339.1), dbSNP rs2469115140, ClinGen allele CA350530679.